The following is an entry in ClinVar:

NM_020320.5(RARS2):c.1263A>G (p.Gln421=)

Gene: RARS2 (arginyl-tRNA synthetase 2, mitochondrial; minus strand). Cytogenetic location: 6q15.
Variant type: single nucleotide variant.
Coding change: c.1263A>G on transcript NM_020320.5 (MANE Select); coding-DNA position 1263, A replaced by G.
Protein change: p.Gln421=; no amino-acid change (glutamine 421 retained).
Molecular consequence: synonymous variant. On other transcripts: non-coding transcript variant (23).
Genome position (GRCh38, 1-based): chr6:87,518,866, T>C on the plus strand (A>G on the coding strand, the complement: RARS2 is on the minus strand). VCF-style: chr6-87518866-T-C. GRCh37 (hg19) VCF-style: chr6-88228584-T-C.
Other names: c.738A>G, p.Gln246= (NM_001318785.2, NM_001350506.2, NM_001350507.2 and 4 more transcripts); c.1263A>G, p.Gln421= (NM_001350505.2).
Identifiers: ClinVar variation 388898 (VCV000388898.9), dbSNP rs767004280, ClinGen allele CA3916342.
Genomic context (GRCh38, chr6:87,518,866, plus strand): 5'-GTAGGAGTCTTAACAGACCTGAATAATGAGTGCTGCGAGCCCGACCCTCTCTGCAGTCTC[T>C]TGTGGGTTCTTGAGTTCTTTAGTTGCTGAAACAGACAAAGGCAGCTATCTTTAGTCTACA-3'
Protein context (NP_064716.2, residues 411-431): IKTTKELKNP[Gln421=]ETAERVGLAA

ClinVar aggregate classification (germline): Likely benign. Review status: criteria provided, multiple submitters, no conflicts (2 of 4 stars). 2 submissions from 2 submitters: Likely benign (2). Last evaluated 2025-06-09.

Allele frequency attached by ClinVar (database versions not stated): ExAC 0.00001; gnomAD exomes 0.00001.
gnomAD v4.1: 7 of 1,614,082 alleles (0.00043%); highest among the groups gnomAD compares: Admixed American, 0.0017%; no homozygotes.

Submissions (2):

Labcorp Genetics (formerly Invitae), Labcorp
Classification: Likely benign. Last evaluated: 2025-06-09. Review status: criteria provided, single submitter. Criteria: Invitae Variant Classification Sherloc (09022015). Collection method: clinical testing. Allele origin: germline.

GeneDx
Classification: Likely benign. Last evaluated: 2016-09-09. Review status: criteria provided, single submitter. Criteria: GeneDx Variant Classification (06012015). Collection method: clinical testing. Allele origin: germline. Affected: yes.
Comment: This variant is considered likely benign or benign based on one or more of the following criteria: it is a conservative change, it occurs at a poorly conserved position in the protein, it is predicted to be benign by multiple in silico algorithms, and/or has population frequency not consistent with disease.